The following is an entry in ClinVar:

ClinVar aggregate classification (germline): Conflicting classifications of pathogenicity. Review status: criteria provided, conflicting classifications (1 of 4 stars). 3 submissions from 3 submitters: Uncertain significance (1); Likely benign (1). 1 of the submissions does not count toward it. Last evaluated 2024-07-03.

Conditions:
Usher syndrome type 1B (USH1B). Also called: Usher syndrome type IB. Identifiers: MedGen C1848638, MONDO:0700087.

Allele frequency attached by ClinVar (database versions not stated): gnomAD 0.00001; gnomAD exomes 0.00001 and 0.00004; ExAC 0.00002; TOPMed 0.00002; ESP Exome Variant Server 0.00008.
gnomAD v4.1: 19 of 1,613,686 alleles (0.0012%); highest among the groups gnomAD compares: Admixed American, 0.005%; no homozygotes.

Submissions (3):

GeneDx
Classification: Uncertain significance. Last evaluated: 2024-07-03. Review status: criteria provided, single submitter. Criteria: GeneDx Variant Classification Process June 2021. Collection method: clinical testing. Allele origin: germline. Affected: yes.
Comment: In silico analysis supports that this missense variant has a deleterious effect on protein structure/function; In silico analysis is inconclusive as to whether the variant alters gene splicing. In the absence of RNA/functional studies, the actual effect of this sequence change is unknown.; Has not been previously published as pathogenic or benign to our knowledge

Labcorp Genetics (formerly Invitae), Labcorp
Classification: Likely benign. Last evaluated: 2024-02-19. Review status: criteria provided, single submitter. Criteria: Invitae Variant Classification Sherloc (09022015). Collection method: clinical testing. Allele origin: germline.

Natera, Inc.
Classification: Uncertain significance for Usher syndrome type 1B. Last evaluated: 2020-07-22. Review status: no assertion criteria provided. Collection method: clinical testing. Allele origin: germline. Not counted in ClinVar's aggregate classification.

NM_000260.4(MYO7A):c.5006T>C (p.Val1669Ala)

Gene: MYO7A (myosin VIIA; plus strand). Cytogenetic location: 11q13.5.
Variant type: single nucleotide variant.
Coding change: c.5006T>C on transcript NM_000260.4 (MANE Select); coding-DNA position 5006, T replaced by C.
Protein change: p.Val1669Ala; replaces valine 1669 with alanine.
Molecular consequence: missense variant.
Genome position (GRCh38, 1-based): chr11:77,201,601, T>C. VCF-style: chr11-77201601-T-C. GRCh37 (hg19) VCF-style: chr11-76912646-T-C.
Other names: c.4892T>C, p.Val1631Ala (NM_001127180.2); c.4859T>C, p.Val1620Ala (NM_001369365.1); c.5006T>C (NM_000260.3); short protein forms V1620A, V1631A, V1669A.
Identifiers: ClinVar variation 1024970 (VCV001024970.11), dbSNP rs369056903, ClinGen allele CA6198589.